The following is an entry in ClinVar:

NM_006231.4(POLE):c.2745G>C (p.Glu915Asp)

Gene: POLE (DNA polymerase epsilon, catalytic subunit; minus strand). Cytogenetic location: 12q24.33.
Variant type: single nucleotide variant.
Coding change: c.2745G>C on transcript NM_006231.4 (MANE Select); coding-DNA position 2745, G replaced by C.
Protein change: p.Glu915Asp; replaces glutamic acid 915 with aspartic acid.
Molecular consequence: missense variant.
Genome position (GRCh38, 1-based): chr12:132,661,646, C>G on the plus strand (G>C on the coding strand, the complement: POLE is on the minus strand). VCF-style: chr12-132661646-C-G. GRCh37 (hg19) VCF-style: chr12-133238232-C-G.
Other names: short protein forms E915D.
Identifiers: ClinVar variation 2107512 (VCV002107512.4), dbSNP rs1344300692, ClinGen allele CA387393939.

ClinVar aggregate classification (germline): Uncertain significance (1 of 4 stars; one submission).

Submission:

Labcorp Genetics (formerly Invitae), Labcorp
Classification: Uncertain significance. Last evaluated: 2022-03-07. Review status: criteria provided, single submitter. Criteria: Invitae Variant Classification Sherloc (09022015). Collection method: clinical testing. Allele origin: germline.
Comment: In summary, the available evidence is currently insufficient to determine the role of this variant in disease. Therefore, it has been classified as a Variant of Uncertain Significance. Algorithms developed to predict the effect of missense changes on protein structure and function (SIFT, PolyPhen-2, Align-GVGD) all suggest that this variant is likely to be tolerated. This variant has not been reported in the literature in individuals affected with POLE-related conditions. This variant is not present in population databases (gnomAD no frequency). This sequence change replaces glutamic acid, which is acidic and polar, with aspartic acid, which is acidic and polar, at codon 915 of the POLE protein (p.Glu915Asp).